The following is an entry in ClinVar:

ClinVar aggregate classification (germline): Uncertain significance (1 of 4 stars; one submission).

Conditions:
Autosomal dominant nonsyndromic hearing loss 20. Identifiers: Orphanet 90635, MedGen C1858172, MONDO:0011480, OMIM 604717.
Baraitser-winter syndrome 2. Identifiers: Orphanet 2995, MedGen C3281235, MONDO:0013812, OMIM 614583.

Allele frequency attached by ClinVar (database versions not stated): gnomAD exomes below 0.00001.

Submission:

Labcorp Genetics (formerly Invitae), Labcorp
Classification: Uncertain significance for Baraitser-winter syndrome 2; Autosomal dominant nonsyndromic hearing loss 20. Last evaluated: 2021-09-26. Review status: criteria provided, single submitter. Criteria: Invitae Variant Classification Sherloc (09022015). Collection method: clinical testing. Allele origin: germline.
Comment: This sequence change replaces methionine with threonine at codon 132 of the ACTG1 protein (p.Met132Thr). The methionine residue is highly conserved and there is a moderate physicochemical difference between methionine and threonine. This variant is not present in population databases (ExAC no frequency). This variant has not been reported in the literature in individuals affected with ACTG1-related conditions. Algorithms developed to predict the effect of missense changes on protein structure and function are either unavailable or do not agree on the potential impact of this missense change (SIFT: "Deleterious"; PolyPhen-2: "Probably Damaging"; Align-GVGD: "Class C0"). In summary, the available evidence is currently insufficient to determine the role of this variant in disease. Therefore, it has been classified as a Variant of Uncertain Significance.

NM_001614.5(ACTG1):c.395T>C (p.Met132Thr)

Gene: ACTG1 (actin gamma 1; minus strand). Cytogenetic location: 17q25.3.
Variant type: single nucleotide variant.
Coding change: c.395T>C on transcript NM_001614.5 (MANE Select); coding-DNA position 395, T replaced by C.
Protein change: p.Met132Thr; replaces methionine 132 with threonine.
Molecular consequence: missense variant. On other transcripts: non-coding transcript variant (1).
Genome position (GRCh38, 1-based): chr17:81,511,595, A>G on the plus strand (T>C on the coding strand, the complement: ACTG1 is on the minus strand). VCF-style: chr17-81511595-A-G. GRCh37 (hg19) VCF-style: chr17-79478621-A-G.
Other names: c.395T>C, p.Met132Thr (NM_001199954.3); short protein forms M132T.
Identifiers: ClinVar variation 1467395 (VCV001467395.6), dbSNP rs1555666818, ClinGen allele CA401461390.